The following is an entry in ClinVar:

NM_001322934.2(NFKB2):c.2249C>G (p.Ala750Gly)

Gene: NFKB2 (nuclear factor kappa B subunit 2; plus strand). Cytogenetic location: 10q24.32.
Variant type: single nucleotide variant.
Coding change: c.2249C>G on transcript NM_001322934.2 (MANE Select); coding-DNA position 2249, C replaced by G.
Protein change: p.Ala750Gly; replaces alanine 750 with glycine.
Molecular consequence: missense variant.
Genome position (GRCh38, 1-based): chr10:102,401,474, C>G. VCF-style: chr10-102401474-C-G. GRCh37 (hg19) VCF-style: chr10-104161231-C-G.
Other names: c.2249C>G, p.Ala750Gly (NM_001077494.3, NM_001261403.3, NM_001288724.1 and 1 more transcripts); c.2123C>G, p.Ala708Gly (NM_001322935.1); short protein forms A708G, A750G.
Identifiers: ClinVar variation 966797 (VCV000966797.9), dbSNP rs41293042, ClinGen allele CA377904691.

ClinVar aggregate classification (germline): Uncertain significance (1 of 4 stars; one submission).

Conditions:
Immunodeficiency, common variable, 10. Also called: DEFICIT IN ANTERIOR PITUITARY FUNCTION AND VARIABLE IMMUNODEFICIENCY; IMMUNODEFICIENCY, COMMON VARIABLE, WITH CENTRAL ADRENAL INSUFFICIENCY. Identifiers: MedGen C3809991, MONDO:0014260, OMIM 615577.

gnomAD v4.1: 2 of 1,613,860 alleles (0.00012%); highest among the groups gnomAD compares: South Asian, 0.0022%; no homozygotes.

Submission:

Labcorp Genetics (formerly Invitae), Labcorp
Classification: Uncertain significance for Immunodeficiency, common variable, 10. Last evaluated: 2019-10-02. Review status: criteria provided, single submitter. Criteria: Invitae Variant Classification Sherloc (09022015). Collection method: clinical testing. Allele origin: germline.
Comment: This variant is not present in population databases (ExAC no frequency). This variant has not been reported in the literature in individuals with NFKB2-related conditions. Algorithms developed to predict the effect of missense changes on protein structure and function (SIFT, PolyPhen-2, Align-GVGD) all suggest that this variant is likely to be tolerated, but these predictions have not been confirmed by published functional studies and their clinical significance is uncertain. Algorithms developed to predict the effect of sequence changes on RNA splicing suggest that this variant may create or strengthen a splice site, but this prediction has not been confirmed by published transcriptional studies. In summary, the available evidence is currently insufficient to determine the role of this variant in disease. Therefore, it has been classified as a Variant of Uncertain Significance. This sequence change replaces alanine with glycine at codon 750 of the NFKB2 protein (p.Ala750Gly). The alanine residue is weakly conserved and there is a small physicochemical difference between alanine and glycine.